The following is an entry in ClinVar:

NM_032043.3(BRIP1):c.1248G>T (p.Arg416=)

Gene: BRIP1 (BRCA1 interacting DNA helicase 1; minus strand). Cytogenetic location: 17q23.2.
Variant type: single nucleotide variant.
Coding change: c.1248G>T on transcript NM_032043.3 (MANE Select); coding-DNA position 1248, G replaced by T.
Protein change: p.Arg416=; no amino-acid change (arginine 416 retained).
Molecular consequence: synonymous variant.
Genome position (GRCh38, 1-based): chr17:61,799,192, C>A on the plus strand (G>T on the coding strand, the complement: BRIP1 is on the minus strand). VCF-style: chr17-61799192-C-A. GRCh37 (hg19) VCF-style: chr17-59876553-C-A.
Identifiers: ClinVar variation 3379138 (VCV003379138.1).

ClinVar aggregate classification (germline): Benign (1 of 4 stars; one submission).

Conditions:
Familial cancer of breast. Also called: hereditary breast carcinoma; Hereditary breast cancer; BREAST CANCER, FAMILIAL. Identifiers: Orphanet 227535, MedGen C0346153, MONDO:0016419, OMIM 114480. Disease mechanism: loss of function.

Submission:

Myriad Genetics, Inc.
Classification: Benign for Familial cancer of breast. Last evaluated: 2024-08-26. Review status: criteria provided, single submitter. Criteria: Myriad Autosomal Dominant, Autosomal Recessive and X-Linked Classification Criteria (2023). Collection method: clinical testing. Allele origin: unknown.
Comment: This variant is considered benign. This variant is a silent/synonymous amino acid change and it is not expected to impact splicing.